The following is an entry in ClinVar:

ClinVar aggregate classification (germline): Pathogenic (1 of 4 stars; one submission).

Conditions:
Fabry disease. Also called: ALPHA-GALACTOSIDASE A DEFICIENCY; ANDERSON-FABRY DISEASE; CERAMIDE TRIHEXOSIDASE DEFICIENCY; GLA DEFICIENCY; HEREDITARY DYSTOPIC LIPIDOSIS; Angiokeratoma corporis diffusum. Identifiers: Orphanet 324, MedGen C0002986, MONDO:0010526, OMIM 301500, HP:0001071. Disease mechanism: Fabry disease is due to inactivating mutations in the X-linked GLA gene resulting in deficiency of the enzyme Alpha Galactosidase-A., loss of function.

Submission:

Genomenon, Inc
Classification: Pathogenic for Fabry disease. Last evaluated: 2026-09-08. Review status: criteria provided, single submitter. Criteria: Genomenon Sequence Variant Interpretation Standards - Updated. Collection method: curation. Allele origin: germline. Affected: yes.
Comment: GLA p.Pro114LeufsTer7 (c.339del) is a frameshift variant that is predicted to introduce a premature termination codon and result in a truncated or absent protein product. This variant has been observed in at least one proband with clinical features consistent with Fabry disease (PMID:36140787). Functional or patient cell studies have been reported (PMID:36140787). It is absent or not present at a significant frequency in gnomAD. In conclusion, we classify GLA p.Pro114LeufsTer7 (c.339del) as a pathogenic variant.

Literature cited by the submitters: PubMed 36140787.

NM_000169.3(GLA):c.339del (p.Pro114fs)

Genes: GLA (galactosidase alpha; minus strand), RPL36A-HNRNPH2 (RPL36A-HNRNPH2 readthrough; plus strand). Cytogenetic location: Xq22.1.
Variant type: Deletion.
Coding change: c.339del on transcript NM_000169.3 (MANE Select); coding-DNA position 339, one base deleted (T; older notation c.339delT).
Protein change: p.Pro114fs; shifts the reading frame from proline 114.
Molecular consequence: frameshift variant. On other transcripts: non-coding transcript variant (3), intron variant (2).
Genome position (GRCh38, 1-based): chrX:101,403,841, A deleted on the plus strand (T on the coding strand, the reverse complement: GLA is on the minus strand); the first of 3 consecutive A bases (chrX:101,403,841-101,403,843); deleting any one gives the same sequence. VCF-style (leftmost placement, unchanged base first): chrX-101403840-GA-G. GRCh37 (hg19) VCF-style: chrX-100658828-GA-G.
Other names: c.462del, p.Pro155fs (NM_001406747.1, NM_001406749.1); c.339del, p.Pro114fs (NM_001406748.1); c.301-8093del (NM_001199973.2); c.178-8093del (NM_001199974.2); short protein forms P114fs, P155fs.
Identifiers: ClinVar variation 4086946 (VCV004086946.2).
Genomic context (GRCh38, chrX:101,403,840, plus strand): 5'-GAATGAACAAGAACATTATCTATAAACTCACATAATTAGCTAGCTGGCGAATCCCATGAG[GA>G]AAGCGCTGAGGGTCTGCCTGAAGTCTGCCTTCTGAATCTCTTTGGGGAGCCATCCAACAG-3'